The following is an entry in ClinVar:

ClinVar aggregate classification (germline): Conflicting classifications of pathogenicity. Review status: criteria provided, conflicting classifications (1 of 4 stars). 3 submissions from 3 submitters: Uncertain significance (1); Likely benign (2). Last evaluated 2025-03-27.

Conditions:
Cardiovascular phenotype. Identifiers: MedGen CN230736.
Dilated cardiomyopathy 1J (CMD1J). Also called: CARDIOMYOPATHY, DILATED, WITH SENSORINEURAL HEARING LOSS, AUTOSOMAL DOMINANT. Identifiers: Orphanet 217622, MedGen C1854368, MONDO:0011541, OMIM 605362.

Allele frequency attached by ClinVar (database versions not stated): TOPMed 0.00003; gnomAD exomes 0.00005; gnomAD 0.00006; ExAC 0.00007.
gnomAD v4.1: 81 of 1,613,650 alleles (0.005%); highest among the groups gnomAD compares: Non-Finnish European, 0.0054%; no homozygotes.

Submissions (3):

Labcorp Genetics (formerly Invitae), Labcorp
Classification: Likely benign for Dilated cardiomyopathy 1J. Last evaluated: 2025-03-27. Review status: criteria provided, single submitter. Criteria: Invitae Variant Classification Sherloc (09022015). Collection method: clinical testing. Allele origin: germline.

GeneDx
Classification: Uncertain significance. Last evaluated: 2024-12-05. Review status: criteria provided, single submitter. Criteria: GeneDx Variant Classification Process June 2021. Collection method: clinical testing. Allele origin: germline. Affected: yes.
Comment: In silico analysis indicates that this variant does not alter splicing; Has not been previously published as pathogenic or benign to our knowledge

Ambry Genetics
Classification: Likely benign for Cardiovascular phenotype. Last evaluated: 2023-07-03. Review status: criteria provided, single submitter. Criteria: Ambry Variant Classification Scheme 2023. Collection method: clinical testing. Allele origin: germline.

NM_004100.5(EYA4):c.1773G>A (p.Arg591=)

Genes: TARID (TCF21 antisense RNA inducing promoter demethylation; minus strand), EYA4 (EYA transcriptional coactivator and phosphatase 4; plus strand). Cytogenetic location: 6q23.2.
Variant type: single nucleotide variant.
Coding change: c.1773G>A on transcript NM_004100.5 (MANE Select); coding-DNA position 1773, G replaced by A.
Protein change: p.Arg591=; no amino-acid change (arginine 591 retained).
Molecular consequence: synonymous variant. On other transcripts: intron variant (3).
Genome position (GRCh38, 1-based): chr6:133,525,188, G>A. VCF-style: chr6-133525188-G-A. GRCh37 (hg19) VCF-style: chr6-133846326-G-A.
Other names: c.1791G>A, p.Arg597= (NM_001301013.2); c.1629G>A, p.Arg543= (NM_001370459.1); c.1704G>A, p.Arg568= (NM_172103.4); c.1839+73G>A (NM_172105.4); c.1770+73G>A (NM_001370458.1); c.1677+73G>A (NM_001301012.2).
Identifiers: ClinVar variation 239628 (VCV000239628.13), dbSNP rs772266373, ClinGen allele CA4008487.
Genomic context (GRCh38, chr6:133,525,188, plus strand): 5'-TGAACTTTATCTCATTTATCTTCCAGGAAAAGAAAGTTGCTTTGAACGAATAATGCAAAG[G>A]TTTGGCAGAAAAGTAGTGTATGTTGTAATTGGGGATGGTGTAGAAGAAGAACAGGCAGCA-3'
Protein context (NP_004091.3, residues 581-601): KESCFERIMQ[Arg591=]FGRKVVYVVI